The following is an entry in ClinVar:

NM_001001557.4(GDF6):c.725C>T (p.Ala242Val)

Gene: GDF6 (growth differentiation factor 6; minus strand). Cytogenetic location: 8q22.1.
Variant type: single nucleotide variant.
Coding change: c.725C>T on transcript NM_001001557.4 (MANE Select); coding-DNA position 725, C replaced by T.
Protein change: p.Ala242Val; replaces alanine 242 with valine.
Molecular consequence: missense variant.
Genome position (GRCh38, 1-based): chr8:96,145,206, G>A on the plus strand (C>T on the coding strand, the complement: GDF6 is on the minus strand). VCF-style: chr8-96145206-G-A. GRCh37 (hg19) VCF-style: chr8-97157434-G-A.
Other names: short protein forms A242V.
Identifiers: ClinVar variation 2132687 (VCV002132687.4), dbSNP rs886043381, ClinGen allele CA371751988.

ClinVar aggregate classification (germline): Uncertain significance (1 of 4 stars; one submission).

Conditions:
Microphthalmia, isolated, with coloboma 6 (MCOPCB6). Also called: MICROPHTHALMIA/COLOBOMA 6; Microphthalmia with coloboma 6, digenic; Microphthalmia with coloboma 6. Identifiers: Orphanet 98938, MedGen C3150968, MONDO:0013376, OMIM 613703.
Isolated microphthalmia 4. Identifiers: Orphanet 2542, MedGen C2751307, MONDO:0013130, OMIM 613094.
Klippel-Feil syndrome 1, autosomal dominant (KFS1). Also called: CERVICAL VERTEBRAL FUSION, AUTOSOMAL DOMINANT. Identifiers: Orphanet 2345, MedGen C1861689, MONDO:0007306, OMIM 118100.
Leber congenital amaurosis 17 (LCA17). Identifiers: Orphanet 65, MedGen C3715164, MONDO:0014145, OMIM 615360.

Submission:

Labcorp Genetics (formerly Invitae), Labcorp
Classification: Uncertain significance for Isolated microphthalmia 4; Leber congenital amaurosis 17; Klippel-Feil syndrome 1, autosomal dominant; Microphthalmia, isolated, with coloboma 6. Last evaluated: 2022-05-03. Review status: criteria provided, single submitter. Criteria: Invitae Variant Classification Sherloc (09022015). Collection method: clinical testing. Allele origin: germline.
Comment: This sequence change replaces alanine, which is neutral and non-polar, with valine, which is neutral and non-polar, at codon 242 of the GDF6 protein (p.Ala242Val). In summary, the available evidence is currently insufficient to determine the role of this variant in disease. Therefore, it has been classified as a Variant of Uncertain Significance. Algorithms developed to predict the effect of missense changes on protein structure and function output the following: SIFT: "Tolerated"; PolyPhen-2: "Benign"; Align-GVGD: "Class C0". The valine amino acid residue is found in multiple mammalian species, which suggests that this missense change does not adversely affect protein function. This variant has not been reported in the literature in individuals affected with GDF6-related conditions. This variant is not present in population databases (gnomAD no frequency).